The following is an entry in ClinVar:

NM_001458.5(FLNC):c.6303C>A (p.Cys2101Ter)

Genes: FLNC (filamin C; plus strand), FLNC-AS1 (FLNC antisense RNA 1; minus strand). Cytogenetic location: 7q32.1.
Variant type: single nucleotide variant.
Coding change: c.6303C>A on transcript NM_001458.5 (MANE Select); coding-DNA position 6303, C replaced by A.
Protein change: p.Cys2101Ter; replaces cysteine 2101 with a stop codon.
Molecular consequence: nonsense.
Genome position (GRCh38, 1-based): chr7:128,853,563, C>A. VCF-style: chr7-128853563-C-A. GRCh37 (hg19) VCF-style: chr7-128493617-C-A.
Other names: c.6204C>A, p.Cys2068Ter (NM_001127487.2); short protein forms C2068*, C2101*.
Identifiers: ClinVar variation 4853910 (VCV004853910.1).

ClinVar aggregate classification (germline): Likely pathogenic (1 of 4 stars; one submission).

Conditions:
Hypertrophic cardiomyopathy 26. Also called: Cardiomyopathy, familial hypertrophic, 26. Identifiers: Orphanet 75249, MedGen C4310749, MONDO:0014883, OMIM 617047.

Submission:

3billion
Classification: Likely pathogenic for Hypertrophic cardiomyopathy 26. Last evaluated: 2025-10-21. Review status: criteria provided, single submitter. Criteria: ACMG Guidelines, 2015. Collection method: clinical testing. Allele origin: germline. Affected: yes.
Comment: The variant is not observed in the gnomAD v4.1.0 dataset. Predicted Consequence/Location: Stop-gained (nonsense): predicted to result in a loss or disruption of normal protein function through nonsense-mediated decay (NMD) or protein truncation. Multiple pathogenic variants are reported downstream of the variant. Therefore, this variant is classified as Likely pathogenic according to the recommendation of ACMG/AMP guideline.